The following is an entry in ClinVar:

ClinVar aggregate classification (germline): Pathogenic (1 of 4 stars; one submission).

Conditions:
Neurofibromatosis, type 2 (SWNV). Also called: BILATERAL ACOUSTIC NEUROFIBROMATOSIS; SCHWANNOMATOSIS, VESTIBULAR; NF2-Related Schwannomatosis. Identifiers: Orphanet 637, MedGen C0027832, MONDO:0007039, OMIM 101000. Disease mechanism: loss of function.

Submissions (2):

Labcorp Genetics (formerly Invitae), Labcorp
Classification: Pathogenic for Neurofibromatosis, type 2. Last evaluated: 2022-09-25. Review status: criteria provided, single submitter. Criteria: Invitae Variant Classification Sherloc (09022015). Collection method: clinical testing. Allele origin: germline.
Comment: This sequence change affects an acceptor splice site in intron 2 of the NF2 gene. It is expected to disrupt RNA splicing. Variants that disrupt the donor or acceptor splice site typically lead to a loss of protein function (PMID: 16199547), and loss-of-function variants in NF2 are known to be pathogenic (PMID: 9643284, 16983642). This variant is not present in population databases (gnomAD no frequency). Disruption of this splice site has been observed in individual(s) with clinical features of neurofibromatosis type 2 (PMID: 15635074, 15684865; Invitae). In at least one individual the variant was observed to be de novo. ClinVar contains an entry for this variant (Variation ID: 1072590). Algorithms developed to predict the effect of sequence changes on RNA splicing suggest that this variant may disrupt the consensus splice site. For these reasons, this variant has been classified as Pathogenic.

Dr. Peter K. Rogan Lab, Western University
No classification provided (evidence only). Condition: Clear cell carcinoma of kidney. Review status: no classification provided. Collection method: in vitro. Allele origin: not applicable. Functional consequence: skipped exon. Not counted in ClinVar's aggregate classification.

Literature cited by the submitters: PubMed 16199547 (cited by Labcorp Genetics (formerly Invitae), Labcorp); PubMed 9643284 (cited by Labcorp Genetics (formerly Invitae), Labcorp); PubMed 16983642 (cited by Labcorp Genetics (formerly Invitae), Labcorp); PubMed 15635074 (cited by Labcorp Genetics (formerly Invitae), Labcorp); PubMed 15684865 (cited by Labcorp Genetics (formerly Invitae), Labcorp).

NM_000268.4(NF2):c.241-2A>G

Gene: NF2 (NF2, moesin-ezrin-radixin like (MERLIN) tumor suppressor; plus strand). Cytogenetic location: 22q12.2.
Variant type: single nucleotide variant.
Coding change: c.241-2A>G on transcript NM_000268.4 (MANE Select); the canonical splice acceptor site of the intron before coding-DNA position 241, A replaced by G.
Molecular consequence: splice acceptor variant. On other transcripts: intron variant (8).
Genome position (GRCh38, 1-based): chr22:29,639,088, A>G. VCF-style: chr22-29639088-A-G. GRCh37 (hg19) VCF-style: chr22-30035077-A-G.
Other names: c.241-2A>G (NM_016418.5, NM_181832.3, NM_001407060.1 and 5 more transcripts); c.127-2A>G (NM_001407056.1, NM_001407053.1); c.10-2A>G (NM_001407067.1); c.-400-2A>G (NM_001407065.1); c.240+2212A>G (NM_001407058.1, NM_181829.3, NM_001407054.1 and 1 more transcripts); c.115-2A>G (NM_181828.3, NM_001407055.1); c.115-3114A>G (NM_001407063.1, NM_181830.3, NM_001407064.1 and 1 more transcripts).
Identifiers: ClinVar variation 1072590 (VCV001072590.10), dbSNP rs2146869427, ClinGen allele CA411152937.
Genomic context (GRCh38, chr22:29,639,088, plus strand): 5'-GAGGGTAGCACAGGAGGAAGTGCCAATATAGTGTGTTTGTCTTTTGCTCTGCAATTCTGC[A>G]GGTACTGGATCATGATGTTTCAAAGGAAGAACCAGTCACCTTTCACTTCTTGGCCAAATT-3'